The following is an entry in ClinVar:

ClinVar aggregate classification (germline): Uncertain significance (1 of 4 stars; one submission).

Conditions:
MHC class II deficiency. Also called: Bare lymphocyte syndrome 2; BLS, TYPE II. Identifiers: Orphanet 572, MedGen C5447452, MONDO:0008855.

Submission:

Labcorp Genetics (formerly Invitae), Labcorp
Classification: Uncertain significance for MHC class II deficiency. Last evaluated: 2022-08-03. Review status: criteria provided, single submitter. Criteria: Invitae Variant Classification Sherloc (09022015). Collection method: clinical testing. Allele origin: germline.
Comment: This sequence change replaces glycine, which is neutral and non-polar, with valine, which is neutral and non-polar, at codon 849 of the CIITA protein (p.Gly849Val). This variant is not present in population databases (gnomAD no frequency). This variant has not been reported in the literature in individuals affected with CIITA-related conditions. Algorithms developed to predict the effect of missense changes on protein structure and function (SIFT, PolyPhen-2, Align-GVGD) all suggest that this variant is likely to be tolerated. In summary, the available evidence is currently insufficient to determine the role of this variant in disease. Therefore, it has been classified as a Variant of Uncertain Significance.

NM_000246.4(CIITA):c.2546G>T (p.Gly849Val)

Gene: CIITA (class II major histocompatibility complex transactivator; plus strand). Cytogenetic location: 16p13.13.
Variant type: single nucleotide variant.
Coding change: c.2546G>T on transcript NM_000246.4 (MANE Select); coding-DNA position 2546, G replaced by T.
Protein change: p.Gly849Val; replaces glycine 849 with valine.
Molecular consequence: missense variant. On other transcripts: intron variant (1).
Genome position (GRCh38, 1-based): chr16:10,908,038, G>T. VCF-style: chr16-10908038-G-T. GRCh37 (hg19) VCF-style: chr16-11001895-G-T.
Other names: c.2549G>T, p.Gly850Val (NM_001286402.1, NM_001379332.1); c.2402G>T, p.Gly801Val (NM_001379330.1); c.2399G>T, p.Gly800Val (NM_001379331.1); c.2546G>T, p.Gly849Val (NM_001379333.1); c.2477G>T, p.Gly826Val (NM_001379334.1); c.860-945G>T (NM_001286403.2); short protein forms G800V, G850V, G849V, G826V, G801V.
Identifiers: ClinVar variation 1983277 (VCV001983277.1), dbSNP rs2544498619, ClinGen allele CA394733843.
Genomic context (GRCh38, chr16:10,908,038, plus strand): 5'-TCCCCGGCCGCCTCTCTTTTCTGGGCACCCGCCTCACGCCTCCTGATGCACATGTACTGG[G>T]CAAGGCCTTGGAGGCGGCGGGCCAAGACTTCTCCCTGGACCTCCGCAGCACTGGCATTTG-3'
Protein context (NP_000237.2, residues 839-859): RLTPPDAHVL[Gly849Val]KALEAAGQDF